The following is an entry in ClinVar:

NM_198271.5(LMOD3):c.292G>A (p.Glu98Lys)

Genes: LMOD3 (leiomodin 3; minus strand), LOC126806710 (CDK7 strongly-dependent group 2 enhancer GRCh37_chr3:69170601-69171800; plus strand). Cytogenetic location: 3p14.1.
Variant type: single nucleotide variant.
Coding change: c.292G>A on transcript NM_198271.5 (MANE Select); coding-DNA position 292, G replaced by A.
Protein change: p.Glu98Lys; replaces glutamic acid 98 with lysine.
Molecular consequence: missense variant.
Genome position (GRCh38, 1-based): chr3:69,122,095, C>T on the plus strand (G>A on the coding strand, the complement: LMOD3 is on the minus strand). VCF-style: chr3-69122095-C-T. GRCh37 (hg19) VCF-style: chr3-69171246-C-T.
Other names: c.292G>A, p.Glu98Lys (NM_001304418.3); short protein forms E98K.
Identifiers: ClinVar variation 569573 (VCV000569573.5), dbSNP rs1467437318, ClinGen allele CA2489034.
Genomic context (GRCh38, chr3:69,122,095, plus strand): 5'-AGACCTAACAGCCCATCCCAGGCAGCCATTTCTCGGTTGTACACAAATCTCTGGTTACCT[C>T]GGATTTCACAAAGGTGACAGGAACTCGTTCCTCTTCCAGCATGCGCCTGGATGCCTTTTC-3'
Protein context (NP_938012.2, residues 88-108): ERVPVTFVKS[Glu98Lys]EKTQEEHEEI

ClinVar aggregate classification (germline): Uncertain significance (1 of 4 stars; one submission).

Conditions:
Nemaline myopathy 10 (NEM10). Identifiers: MedGen C4015360, MONDO:0014513, OMIM 616165.

Allele frequency attached by ClinVar (database versions not stated): ExAC 0.00001; gnomAD exomes 0.00001 and 0.00002; TOPMed 0.00002; gnomAD 0.00003.

Submission:

Labcorp Genetics (formerly Invitae), Labcorp
Classification: Uncertain significance for Nemaline myopathy 10. Last evaluated: 2024-08-13. Review status: criteria provided, single submitter. Criteria: Invitae Variant Classification Sherloc (09022015). Collection method: clinical testing. Allele origin: germline.
Comment: This sequence change replaces glutamic acid, which is acidic and polar, with lysine, which is basic and polar, at codon 98 of the LMOD3 protein (p.Glu98Lys). This variant is present in population databases (no rsID available, gnomAD 0.01%). This variant has not been reported in the literature in individuals affected with LMOD3-related conditions. ClinVar contains an entry for this variant (Variation ID: 569573). An algorithm developed to predict the effect of missense changes on protein structure and function outputs the following: PolyPhen-2: "Benign". The lysine amino acid residue is found in multiple mammalian species, which suggests that this missense change does not adversely affect protein function. In summary, the available evidence is currently insufficient to determine the role of this variant in disease. Therefore, it has been classified as a Variant of Uncertain Significance.